The following is an entry in ClinVar:

NM_004304.5(ALK):c.758T>C (p.Phe253Ser)

Gene: ALK (ALK receptor tyrosine kinase; minus strand). Cytogenetic location: 2p23.2.
Variant type: single nucleotide variant.
Coding change: c.758T>C on transcript NM_004304.5 (MANE Select); coding-DNA position 758, T replaced by C.
Protein change: p.Phe253Ser; replaces phenylalanine 253 with serine.
Molecular consequence: missense variant.
Genome position (GRCh38, 1-based): chr2:29,717,607, A>G on the plus strand (T>C on the coding strand, the complement: ALK is on the minus strand). VCF-style: chr2-29717607-A-G. GRCh37 (hg19) VCF-style: chr2-29940473-A-G.
Other names: c.758T>C (NM_004304.4); short protein forms F253S.
Identifiers: ClinVar variation 1389449 (VCV001389449.9), dbSNP rs759574066, ClinGen allele CA1594880.
Genomic context (GRCh38, chr2:29,717,607, plus strand): 5'-TATCTCAAGTAAATATTAAACATATACTTACCATATCGGCTGCGATGAGACAGGAAAGGG[A>G]AGGAGTCTTTCATTATCCAGGTGAGATTCCATGTAAAATAATCAGGAGAAGGAGAAGGCA-3'
Protein context (NP_004295.2, residues 243-263): WNLTWIMKDS[Phe253Ser]PFLSHRSRYG

ClinVar aggregate classification (germline): Uncertain significance. Review status: criteria provided, multiple submitters, no conflicts (2 of 4 stars). 2 submissions from 2 submitters: Uncertain significance (2). Last evaluated 2025-07-07.

Conditions:
Hereditary cancer-predisposing syndrome. Also called: Hereditary neoplastic syndrome; Neoplastic Syndromes, Hereditary; Hereditary Cancer Syndrome; Tumor predisposition. Identifiers: Orphanet 140162, MedGen C0027672, MeSH D009386, MONDO:0015356.
Neuroblastoma, susceptibility to, 3. Also called: ALK-Related Neuroblastic Tumor Susceptibility. Identifiers: Orphanet 635, MedGen C2751681, MONDO:0013083, OMIM 613014.

Allele frequency attached by ClinVar (database versions not stated): gnomAD exomes below 0.00001; ExAC 0.00001.
gnomAD v4.1: 2 of 1,614,056 alleles (0.00012%); highest among the groups gnomAD compares: Non-Finnish European, 0.000085%; no homozygotes.

Submissions (2):

Ambry Genetics
Classification: Uncertain significance for Hereditary cancer-predisposing syndrome. Last evaluated: 2025-07-07. Review status: criteria provided, single submitter. Criteria: Ambry Variant Classification Scheme 2023. Collection method: clinical testing. Allele origin: germline.
Comment: The p.F253S variant (also known as c.758T>C), located in coding exon 2 of the ALK gene, results from a T to C substitution at nucleotide position 758. The phenylalanine at codon 253 is replaced by serine, an amino acid with highly dissimilar properties. This amino acid position is conserved. In addition, this alteration is predicted to be tolerated by in silico analysis. Based on the available evidence, the clinical significance of this variant remains unclear.

Labcorp Genetics (formerly Invitae), Labcorp
Classification: Uncertain significance for Neuroblastoma, susceptibility to, 3. Last evaluated: 2022-02-09. Review status: criteria provided, single submitter. Criteria: Invitae Variant Classification Sherloc (09022015). Collection method: clinical testing. Allele origin: germline.
Comment: This variant is present in population databases (rs759574066, gnomAD 0.0009%). This sequence change replaces phenylalanine, which is neutral and non-polar, with serine, which is neutral and polar, at codon 253 of the ALK protein (p.Phe253Ser). This variant has not been reported in the literature in individuals affected with ALK-related conditions. Algorithms developed to predict the effect of missense changes on protein structure and function are either unavailable or do not agree on the potential impact of this missense change (SIFT: "Deleterious"; PolyPhen-2: "Benign"; Align-GVGD: "Class C0"). In summary, the available evidence is currently insufficient to determine the role of this variant in disease. Therefore, it has been classified as a Variant of Uncertain Significance.